The following is an entry in ClinVar:

NM_001205293.3(CACNA1E):c.2038G>A (p.Ala680Thr)

Gene: CACNA1E (calcium voltage-gated channel subunit alpha1 E; plus strand). Cytogenetic location: 1q25.3.
Variant type: single nucleotide variant.
Coding change: c.2038G>A on transcript NM_001205293.3 (MANE Select); coding-DNA position 2038, G replaced by A.
Protein change: p.Ala680Thr; replaces alanine 680 with threonine.
Molecular consequence: missense variant.
Genome position (GRCh38, 1-based): chr1:181,721,839, G>A. VCF-style: chr1-181721839-G-A. GRCh37 (hg19) VCF-style: chr1-181690975-G-A.
Other names: c.2038G>A, p.Ala680Thr (NM_000721.4, NM_001205294.2); short protein forms A680T.
Identifiers: ClinVar variation 4704614 (VCV004704614.1).
Genomic context (GRCh38, chr1:181,721,839, plus strand): 5'-AATGAGGTGATGTACAATGGGATCCGCTCCCAGGGTGGGGTCAGCTCAGGCATGTGGTCT[G>A]CCATCTACTTCATTGTGCTCACCTTGTTTGGCAACTGTATCCTTTTTAAGATGCACCTCC-3'
Protein context (NP_001192222.1, residues 670-690): QGGVSSGMWS[Ala680Thr]IYFIVLTLFG

ClinVar aggregate classification (germline): Uncertain significance (1 of 4 stars; one submission).

gnomAD v4.1: 8 of 1,612,844 alleles (0.0005%); highest among the groups gnomAD compares: Non-Finnish European, 0.00068%; no homozygotes.

Submission:

Labcorp Genetics (formerly Invitae), Labcorp
Classification: Uncertain significance. Last evaluated: 2025-03-23. Review status: criteria provided, single submitter. Criteria: Invitae Variant Classification Sherloc (09022015). Collection method: clinical testing. Allele origin: germline.
Comment: This sequence change replaces alanine, which is neutral and non-polar, with threonine, which is neutral and polar, at codon 680 of the CACNA1E protein (p.Ala680Thr). This variant is not present in population databases (gnomAD no frequency). This variant has not been reported in the literature in individuals affected with CACNA1E-related conditions. Invitae Evidence Modeling of protein sequence and biophysical properties (such as structural, functional, and spatial information, amino acid conservation, physicochemical variation, residue mobility, and thermodynamic stability) has been performed for this missense variant. However, the output from this modeling did not meet the statistical confidence thresholds required to predict the impact of this variant on CACNA1E protein function. In summary, the available evidence is currently insufficient to determine the role of this variant in disease. Therefore, it has been classified as a Variant of Uncertain Significance.